The following is an entry in ClinVar:

ClinVar aggregate classification (germline): Conflicting classifications of pathogenicity. Review status: criteria provided, conflicting classifications (1 of 4 stars). 6 submissions from 6 submitters: Uncertain significance (2); Likely benign (3). 1 of the submissions does not count toward it. Last evaluated 2026-02-01.

Conditions:
PRDM16-related disorder. Also called: PRDM16-related condition.
Left ventricular noncompaction 8 (LVNC8). Identifiers: Orphanet 154, Orphanet 54260, MedGen C3809288, MONDO:0014152, OMIM 615373.

Allele frequency attached by ClinVar (database versions not stated): ESP Exome Variant Server 0.00010; gnomAD exomes 0.00021; ExAC 0.00023; gnomAD 0.00054 and 0.00057; 1000 Genomes Project 0.00060; TOPMed 0.00061; 1000 Genomes Project 30x 0.00062.
gnomAD v4.1: 184 of 1,549,768 alleles (0.012%); highest among the groups gnomAD compares: African/African-American, 0.21%; no homozygotes.

Submissions (6):

Labcorp Genetics (formerly Invitae), Labcorp
Classification: Likely benign for Left ventricular noncompaction 8. Last evaluated: 2026-02-01. Review status: criteria provided, single submitter. Criteria: Invitae Variant Classification Sherloc (09022015). Collection method: clinical testing. Allele origin: germline.

Women's Health and Genetics/Laboratory Corporation of America, LabCorp
Classification: Likely benign. Last evaluated: 2025-09-15. Review status: criteria provided, single submitter. Criteria: LabCorp Variant Classification Summary - May 2015. Collection method: clinical testing. Allele origin: germline.

GeneDx
Classification: Likely benign. Last evaluated: 2021-01-04. Review status: criteria provided, single submitter. Criteria: GeneDx Variant Classification Process June 2021. Collection method: clinical testing. Allele origin: germline. Affected: yes.
Comment: This variant is associated with the following publications: (PMID: 30847666)

Laboratory for Molecular Medicine, Mass General Brigham Personalized Medicine
Classification: Uncertain significance. Last evaluated: 2016-08-14. Review status: criteria provided, single submitter. Criteria: LMM Criteria. Collection method: clinical testing. Allele origin: germline. Observed: 1 variant allele.
Comment: Variant classified as Uncertain Significance - Favor Benign. The p.Gly817Ser var iant in PRDM16 has not been previously reported in individuals with cardiomyopat hy, but has been identified in 0.2% (6/2466) of African chromosomes by the Exome Aggregation Consortium (ExAC; dbSNP rs375308440 ). Computational prediction tools and conservation analysis suggest that the p.G ly817Ser variant may impact the protein, though this information is not predicti ve enough to determine pathogenicity. In summary, while the clinical significanc e of the p.Gly817Ser variant is uncertain, its frequency suggests that it is mor e likely to be benign.

Center for Genomics, Ann and Robert H. Lurie Children's Hospital of Chicago
Classification: Uncertain significance for Left ventricular noncompaction 8. Review status: criteria provided, single submitter. Criteria: ACMG Guidelines, 2015. Collection method: clinical testing. Allele origin: germline.
Comment: PRDM16 NM_022114.3 exon 9 p.Gly817Ser (c.2449G>A): This variant has not been reported in the literature but is present in 0.2% (41/18334) of African alleles in the Genome Aggregation Database. This variant is present in ClinVar (Variation ID:241425). Evolutionary conservation and computational predictive tools suggest that this variant may impact the protein. In summary, data on this variant is insufficient for disease classification. Therefore, the clinical significance of this variant is uncertain.

PreventionGenetics, part of Exact Sciences
Classification: Likely benign for PRDM16-related condition. Last evaluated: 2022-03-25. Review status: no assertion criteria provided. Collection method: clinical testing. Allele origin: germline. Not counted in ClinVar's aggregate classification.
Comment: This variant is classified as likely benign based on ACMG/AMP sequence variant interpretation guidelines (Richards et al. 2015 PMID: 25741868, with internal and published modifications).

NM_022114.4(PRDM16):c.2449G>A (p.Gly817Ser)

Gene: PRDM16 (PR/SET domain 16; plus strand). Cytogenetic location: 1p36.32.
Variant type: single nucleotide variant.
Coding change: c.2449G>A on transcript NM_022114.4 (MANE Select); coding-DNA position 2449, G replaced by A.
Protein change: p.Gly817Ser; replaces glycine 817 with serine.
Molecular consequence: missense variant.
Genome position (GRCh38, 1-based): chr1:3,412,646, G>A. VCF-style: chr1-3412646-G-A. GRCh37 (hg19) VCF-style: chr1-3329210-G-A.
Other names: c.2449G>A, p.Gly817Ser (NM_199454.3); short protein forms G817S.
Identifiers: ClinVar variation 241425 (VCV000241425.21), dbSNP rs375308440, ClinGen allele CA544478.